The following is an entry in ClinVar:

NM_006412.4(AGPAT2):c.662-5C>G

Gene: AGPAT2 (1-acylglycerol-3-phosphate O-acyltransferase 2; minus strand). Cytogenetic location: 9q34.3.
Variant type: single nucleotide variant.
Coding change: c.662-5C>G on transcript NM_006412.4 (MANE Select); 5 bases into the intron before coding-DNA position 662, C replaced by G.
Molecular consequence: intron variant.
Genome position (GRCh38, 1-based): chr9:136,673,932, G>C on the plus strand (C>G on the coding strand, the complement: AGPAT2 is on the minus strand). VCF-style: chr9-136673932-G-C. GRCh37 (hg19) VCF-style: chr9-139568384-G-C.
Other names: NC_000009.11:g.139568384G>C; c.566-5C>G (NM_001012727.2).
Identifiers: ClinVar variation 365921 (VCV000365921.9), dbSNP rs199964729, ClinGen allele CA5342859.

ClinVar aggregate classification (germline): Benign/Likely benign. Review status: criteria provided, multiple submitters, no conflicts (2 of 4 stars). 4 submissions from 4 submitters: Benign (1); Likely benign (3). Last evaluated 2026-01-24.

Conditions:
Congenital generalized lipodystrophy type 1 (CGL1). Also called: Berardinelli-Seip Congenital Lipodystrophy Type 1; BRUNZELL SYNDROME, AGPAT2-RELATED. Identifiers: Orphanet 528, Orphanet 696189, MedGen C1720862, MONDO:0012071, OMIM 608594.

Allele frequency attached by ClinVar (database versions not stated): gnomAD 0.00006; TOPMed 0.00037; 1000 Genomes Project 0.00060; 1000 Genomes Project 30x 0.00062.
gnomAD v4.1: 313 of 1,554,594 alleles (0.02%); highest among the groups gnomAD compares: East Asian, 0.71%; 1 homozygote.

Submissions (5):

Labcorp Genetics (formerly Invitae), Labcorp
Classification: Benign. Last evaluated: 2026-01-24. Review status: criteria provided, single submitter. Criteria: Invitae Variant Classification Sherloc (09022015). Collection method: clinical testing. Allele origin: germline.

Blueprint Genetics
Classification: Likely benign. Last evaluated: 2024-03-25. Review status: criteria provided, single submitter. Criteria: ACMG Guidelines, 2015. Collection method: clinical testing. Allele origin: germline.

Illumina Laboratory Services, Illumina
Classification: Likely benign for Congenital generalized lipodystrophy type 1. Last evaluated: 2018-01-13. Review status: criteria provided, single submitter. Criteria: ICSL Variant Classification Criteria 13 December 2019. Collection method: clinical testing. Allele origin: germline.
Comment: This variant was observed in the ICSL laboratory as part of a predisposition screen in an ostensibly healthy population. It had not been previously curated by ICSL or reported in the Human Gene Mutation Database (HGMD: prior to June 1st, 2018), and was therefore a candidate for classification through an automated scoring system. Utilizing variant allele frequency, disease prevalence and penetrance estimates, and inheritance mode, an automated score was calculated to assess if this variant is too frequent to cause the disease. Based on the score and internal cut-off values, a variant classified as likely benign is not then subjected to further curation. The score for this variant resulted in a classification of likely benign for this disease.

Breakthrough Genomics
Classification: Likely benign. Review status: criteria provided, single submitter. Criteria: ACMG Guidelines, 2015. Collection method: not provided. Allele origin: germline. Inheritance: Autosomal recessive inheritance. Affected: yes.

Dr. Peter K. Rogan Lab, Western University
No classification provided (evidence only). Condition: Gastric cancer. Review status: no classification provided. Collection method: in vitro. Allele origin: not applicable. Functional consequence: retained intron. Not counted in ClinVar's aggregate classification.